The following is an entry in ClinVar:

NM_014972.3(TCF25):c.1089G>A (p.Ala363=)

Gene: TCF25 (TCF25 ribosome quality control complex subunit; plus strand). Cytogenetic location: 16q24.3.
Variant type: single nucleotide variant.
Coding change: c.1089G>A on transcript NM_014972.3 (MANE Select); coding-DNA position 1089, G replaced by A.
Protein change: p.Ala363=; no amino-acid change (alanine 363 retained).
Molecular consequence: synonymous variant.
Genome position (GRCh38, 1-based): chr16:89,898,623, G>A. VCF-style: chr16-89898623-G-A. GRCh37 (hg19) VCF-style: chr16-89965031-G-A.
Identifiers: ClinVar variation 2647143 (VCV002647143.24), dbSNP rs2044071975, ClinGen allele CA497181732.

ClinVar aggregate classification (germline): Likely benign (1 of 4 stars; one submission).

Allele frequency attached by ClinVar (database versions not stated): gnomAD 0.00002.
gnomAD v4.1: 10 of 1,612,848 alleles (0.00062%); highest among the groups gnomAD compares: Admixed American, 0.005%; no homozygotes.

Submission:

CeGaT Center for Human Genetics Tuebingen
Classification: Likely benign. Last evaluated: 2022-06-01. Review status: criteria provided, single submitter. Criteria: CeGaT Center For Human Genetics Tuebingen Variant Classification Criteria Version 2. Collection method: clinical testing. Allele origin: germline. Affected: yes. Observed: 1 variant allele.
Comment: TCF25: BP4, BP7